The following is an entry in ClinVar:

ClinVar aggregate classification (germline): Uncertain significance. Review status: criteria provided, multiple submitters, no conflicts (2 of 4 stars). 2 submissions from 2 submitters: Uncertain significance (2). Last evaluated 2025-07-21.

Allele frequency attached by ClinVar (database versions not stated): gnomAD 0.00001 and 0.00003; gnomAD exomes 0.00001 and 0.00002; ExAC 0.00002; TOPMed 0.00002; 1000 Genomes Project 30x 0.00031; 1000 Genomes Project 0.00040.

Submissions (2):

GeneDx
Classification: Uncertain significance. Last evaluated: 2025-07-21. Review status: criteria provided, single submitter. Criteria: GeneDx Variant Classification Process June 2021. Collection method: clinical testing. Allele origin: germline. Affected: yes.
Comment: Reported with a second variant in SLCO2A1 in a patient with inflammatory bowel disease; however, additional clinical information was not provided (PMID: 32084423); In silico analysis supports that this missense variant has a deleterious effect on protein structure/function; This variant is associated with the following publications: (PMID: 32084423)

Labcorp Genetics (formerly Invitae), Labcorp
Classification: Uncertain significance. Last evaluated: 2022-07-26. Review status: criteria provided, single submitter. Criteria: Invitae Variant Classification Sherloc (09022015). Collection method: clinical testing. Allele origin: germline.
Comment: This sequence change replaces arginine, which is basic and polar, with tryptophan, which is neutral and slightly polar, at codon 314 of the SLCO2A1 protein (p.Arg314Trp). This variant is present in population databases (rs367874437, gnomAD 0.02%), including at least one homozygous and/or hemizygous individual. This variant has not been reported in the literature in individuals affected with SLCO2A1-related conditions. ClinVar contains an entry for this variant (Variation ID: 1364331). Algorithms developed to predict the effect of missense changes on protein structure and function are either unavailable or do not agree on the potential impact of this missense change (SIFT: "Deleterious"; PolyPhen-2: "Possibly Damaging"; Align-GVGD: "Class C0"). In summary, the available evidence is currently insufficient to determine the role of this variant in disease. Therefore, it has been classified as a Variant of Uncertain Significance.

NM_005630.3(SLCO2A1):c.940C>T (p.Arg314Trp)

Gene: SLCO2A1 (solute carrier organic anion transporter family member 2A1; minus strand). Cytogenetic location: 3q22.1.
Variant type: single nucleotide variant.
Coding change: c.940C>T on transcript NM_005630.3 (MANE Select); coding-DNA position 940, C replaced by T.
Protein change: p.Arg314Trp; replaces arginine 314 with tryptophan.
Molecular consequence: missense variant.
Genome position (GRCh38, 1-based): chr3:133,948,893, G>A on the plus strand (C>T on the coding strand, the complement: SLCO2A1 is on the minus strand). VCF-style: chr3-133948893-G-A. GRCh37 (hg19) VCF-style: chr3-133667737-G-A.
Other names: c.940C>T (NM_005630.2); short protein forms R314W.
Identifiers: ClinVar variation 1364331 (VCV001364331.4), dbSNP rs367874437, ClinGen allele CA2626631.
Genomic context (GRCh38, chr3:133,948,893, plus strand): 5'-CTGGCCACTATCCCCTCCCCCGCACTGTGCCAGCCCACCCAGGGCTGTAGGGTCAGTTAC[G>A]TTTAATGAAATCCACCAGGGAGCCTCTTGACTTGGCCTCCTCCAACTTCCTTGCTTCATC-3'
Protein context (NP_005621.2, residues 304-324): SRGSLVDFIK[Arg314Trp]FPCIFLRLLM